The following is an entry in ClinVar:

ClinVar aggregate classification (germline): Conflicting classifications of pathogenicity. Review status: criteria provided, conflicting classifications (1 of 4 stars). 10 submissions from 10 submitters: Uncertain significance (9); Likely benign (1). Last evaluated 2026-04-27.

Conditions:
Classic or attenuated familial adenomatous polyposis. Identifiers: MedGen CN372698, MONDO:0021057.
APC-related disorder. Also called: APC-related condition.
Hereditary cancer-predisposing syndrome. Also called: Tumor predisposition; Hereditary Cancer Syndrome; Neoplastic Syndromes, Hereditary; Hereditary neoplastic syndrome. Identifiers: Orphanet 140162, MedGen C0027672, MeSH D009386, MONDO:0015356.
Familial adenomatous polyposis 1 (FAP1). Also called: FAMILIAL ADENOMATOUS POLYPOSIS 1, ATTENUATED; POLYPOSIS, ADENOMATOUS INTESTINAL. Identifiers: MedGen C2713442, MONDO:0021056, OMIM 175100. Disease mechanism: loss of function.

Allele frequency attached by ClinVar (database versions not stated): gnomAD 0.00001; gnomAD exomes 0.00001; TOPMed below 0.00001.
gnomAD v4.1: 9 of 1,612,752 alleles (0.00056%); highest among the groups gnomAD compares: Admixed American, 0.005%; no homozygotes.

Submissions (10):

PreventionGenetics, part of Exact Sciences
Classification: Uncertain significance for APC-related condition. Last evaluated: 2026-04-27. Review status: criteria provided, single submitter. Criteria: ACMG Guidelines, 2015. Collection method: clinical testing. Allele origin: germline.
Comment: The APC c.7822G>A variant is predicted to result in the amino acid substitution p.Ala2608Thr. To our knowledge, this variant has not been reported in the literature or in a large population database (gnomAD), indicating this variant is rare. This variant has been reported in control populations (Supplemental Table 2, Okawa et al. 2023. PubMed ID: 36243179) and has conflicting interpretations in ClinVar, ranging from uncertain to likely benign (Variation ID: 236650). At this time, the clinical significance of this variant is uncertain due to the absence of conclusive functional and genetic evidence.

Labcorp Genetics (formerly Invitae), Labcorp
Classification: Uncertain significance for Familial adenomatous polyposis 1. Last evaluated: 2025-11-09. Review status: criteria provided, single submitter. Criteria: Invitae Variant Classification Sherloc (09022015). Collection method: clinical testing. Allele origin: germline.
Comment: This sequence change replaces alanine, which is neutral and non-polar, with threonine, which is neutral and polar, at codon 2608 of the APC protein (p.Ala2608Thr). This variant is not present in population databases (gnomAD no frequency). This variant has not been reported in the literature in individuals affected with APC-related conditions. ClinVar contains an entry for this variant (Variation ID: 236650). Invitae Evidence Modeling of protein sequence and biophysical properties (such as structural, functional, and spatial information, amino acid conservation, physicochemical variation, residue mobility, and thermodynamic stability) indicates that this missense variant is not expected to disrupt APC protein function with a negative predictive value of 95%. In summary, the available evidence is currently insufficient to determine the role of this variant in disease. Therefore, it has been classified as a Variant of Uncertain Significance.

Color Diagnostics, LLC DBA Color Health
Classification: Uncertain significance for Hereditary cancer-predisposing syndrome. Last evaluated: 2025-07-21. Review status: criteria provided, single submitter. Criteria: ACMG Guidelines, 2015. Collection method: clinical testing. Allele origin: germline.
Comment: This missense variant replaces alanine with threonine at codon 2608 of the APC protein. Computational prediction suggests that this variant may not impact protein structure and function. To our knowledge, functional studies have not been reported for this variant. This variant has not been reported in individuals affected with APC-related disorders in the literature. This variant has not been identified in the general population by the Genome Aggregation Database (gnomAD). The available evidence is insufficient to determine the role of this variant in disease conclusively. Therefore, this variant is classified as a Variant of Uncertain Significance.

CeGaT Center for Human Genetics Tuebingen
Classification: Uncertain significance. Last evaluated: 2024-08-01. Review status: criteria provided, single submitter. Criteria: CeGaT Center For Human Genetics Tuebingen Variant Classification Criteria Version 2. Collection method: clinical testing. Allele origin: germline. Affected: yes. Observed: 1 variant allele.

All of Us Research Program, National Institutes of Health
Classification: Uncertain significance for Classic or attenuated familial adenomatous polyposis. Last evaluated: 2023-12-13. Review status: criteria provided, single submitter. Criteria: ACMG Guidelines, 2015. Collection method: clinical testing. Allele origin: germline. Inheritance: Autosomal dominant inheritance. Observed: 3 variant alleles, 3 heterozygotes.
Comment: This missense variant replaces alanine with threonine at codon 2608 of the APC protein. Computational prediction suggests that this variant may not impact protein structure and function (internally defined REVEL score threshold <= 0.5, PMID: 27666373). To our knowledge, functional studies have not been reported for this variant. This variant has not been reported in individuals affected with APC-related disorders in the literature. This variant has not been identified in the general population by the Genome Aggregation Database (gnomAD). The available evidence is insufficient to determine the role of this variant in disease conclusively. Therefore, this variant is classified as a Variant of Uncertain Significance.

This study involves interpretation of variants in research participants for the purpose of population health screening. Participant phenotype was not available at the time of variant classification. Additional details can be found in publication PMID: 35346344, PMCID: PMC8962531

Baylor Genetics
Classification: Uncertain significance for Familial adenomatous polyposis 1. Last evaluated: 2023-11-03. Review status: criteria provided, single submitter. Criteria: ACMG Guidelines, 2015. Collection method: clinical testing. Allele origin: unknown.

GeneDx
Classification: Uncertain significance. Last evaluated: 2022-02-22. Review status: criteria provided, single submitter. Criteria: GeneDx Variant Classification Process June 2021. Collection method: clinical testing. Allele origin: germline. Affected: yes.
Comment: Not observed at significant frequency in large population cohorts (gnomAD); In silico analysis supports that this missense variant does not alter protein structure/function; Has not been previously published as pathogenic or benign to our knowledge; This variant is associated with the following publications: (PMID: 18199528)

Women's Health and Genetics/Laboratory Corporation of America, LabCorp
Classification: Uncertain significance. Last evaluated: 2021-09-14. Review status: criteria provided, single submitter. Criteria: LabCorp Variant Classification Summary - May 2015. Collection method: clinical testing. Allele origin: germline.
Comment: Variant summary: APC c.7822G>A (p.Ala2608Thr) results in a non-conservative amino acid change in the encoded protein sequence. Four of five in-silico tools predict a benign effect of the variant on protein function. The variant was absent in 250172 control chromosomes. The available data on variant occurrences in the general population are insufficient to allow any conclusion about variant significance. To our knowledge, no occurrence of c.7822G>A in individuals affected with Familial Adenomatous Polyposis and no experimental evidence demonstrating its impact on protein function have been reported. Five clinical diagnostic laboratories have submitted clinical-significance assessments for this variant to ClinVar after 2014 without evidence for independent evaluation (likely benign, n=1; VUS, n=4). Based on the evidence outlined above, the variant was classified as uncertain significance.

Mendelics
Classification: Uncertain significance for Familial adenomatous polyposis 1. Last evaluated: 2019-05-28. Review status: criteria provided, single submitter. Criteria: Mendelics Assertion Criteria 2017. Collection method: clinical testing. Allele origin: unknown.

Ambry Genetics
Classification: Likely benign for Hereditary cancer-predisposing syndrome. Last evaluated: 2019-04-22. Review status: criteria provided, single submitter. Criteria: Ambry Variant Classification Scheme 2023. Collection method: clinical testing. Allele origin: germline.

NM_000038.6(APC):c.7822G>A (p.Ala2608Thr)

Gene: APC (APC regulator of Wnt signaling pathway; plus strand). Cytogenetic location: 5q22.2.
Variant type: single nucleotide variant.
Coding change: c.7822G>A on transcript NM_000038.6 (MANE Select); coding-DNA position 7822, G replaced by A.
Protein change: p.Ala2608Thr; replaces alanine 2608 with threonine.
Molecular consequence: missense variant.
Genome position (GRCh38, 1-based): chr5:112,843,416, G>A. VCF-style: chr5-112843416-G-A. GRCh37 (hg19) VCF-style: chr5-112179113-G-A.
Other names: c.7822G>A, p.Ala2608Thr (NM_001127510.3, NM_001354895.2); c.7768G>A, p.Ala2590Thr (NM_001127511.3); c.7876G>A, p.Ala2626Thr (NM_001354896.2); c.7852G>A, p.Ala2618Thr (NM_001354897.2); c.7747G>A, p.Ala2583Thr (NM_001354898.2); c.7738G>A, p.Ala2580Thr (NM_001354899.2); c.7699G>A, p.Ala2567Thr (NM_001354900.2); c.7645G>A, p.Ala2549Thr (NM_001354901.2); and 5 more; short protein forms A2590T, A2608T, A2448T, A2482T, A2567T, A2583T, A2325T, A2507T.
Identifiers: ClinVar variation 236650 (VCV000236650.45), dbSNP rs878853471, ClinGen allele CA10582340.